The following is an entry in ClinVar:

NM_030805.4(LMAN2L):c.*5T>G

Gene: LMAN2L (lectin, mannose binding 2 like; minus strand). Cytogenetic location: 2q11.2.
Variant type: single nucleotide variant.
Coding change: c.*5T>G on transcript NM_030805.4 (MANE Select); 5 bases downstream of the stop codon, T replaced by G.
Molecular consequence: 3 prime UTR variant.
Genome position (GRCh38, 1-based): chr2:96,707,251, A>C on the plus strand (T>G on the coding strand, the complement: LMAN2L is on the minus strand). VCF-style: chr2-96707251-A-C. GRCh37 (hg19) VCF-style: chr2-97372988-A-C.
Other names: c.*5T>G (NM_001142292.2, NM_001322346.2, NM_001322347.2 and 6 more transcripts).
Identifiers: ClinVar variation 3058632 (VCV003058632.2), dbSNP rs372022200, ClinGen allele CA52480311.

ClinVar aggregate classification (germline): Likely benign (0 of 4 stars; one submission).

Conditions:
LMAN2L-related disorder. Also called: LMAN2L-related condition.

Allele frequency attached by ClinVar (database versions not stated): gnomAD exomes below 0.00001; gnomAD 0.00001; TOPMed 0.00002; ESP Exome Variant Server 0.00008.
gnomAD v4.1: 7 of 1,613,360 alleles (0.00043%); highest among the groups gnomAD compares: African/African-American, 0.0093%; no homozygotes.

Submission:

PreventionGenetics, part of Exact Sciences
Classification: Likely benign for LMAN2L-related condition. Last evaluated: 2019-03-22. Review status: no assertion criteria provided. Collection method: clinical testing. Allele origin: germline.
Comment: This variant is classified as likely benign based on ACMG/AMP sequence variant interpretation guidelines (Richards et al. 2015 PMID: 25741868, with internal and published modifications).